The following is an entry in ClinVar:

NM_001267550.2(TTN):c.3553C>T (p.Gln1185Ter)

Gene: TTN (titin; minus strand). Cytogenetic location: 2q31.2.
Variant type: single nucleotide variant.
Coding change: c.3553C>T on transcript NM_001267550.2 (MANE Select); coding-DNA position 3553, C replaced by T.
Protein change: p.Gln1185Ter; replaces glutamine 1185 with a stop codon.
Molecular consequence: nonsense.
Genome position (GRCh38, 1-based): chr2:178,780,176, G>A on the plus strand (C>T on the coding strand, the complement: TTN is on the minus strand). VCF-style: chr2-178780176-G-A. GRCh37 (hg19) VCF-style: chr2-179644903-G-A.
Other names: c.3553C>T, p.Gln1185Ter (NM_001256850.1, NM_133378.4, NM_133379.5); c.3415C>T, p.Gln1139Ter (NM_003319.4, NM_133432.3, NM_133437.4); short protein forms Q1139*, Q1185*.
Identifiers: ClinVar variation 2044567 (VCV002044567.4), dbSNP rs2533172691, ClinGen allele CA349482878.

ClinVar aggregate classification (germline): Likely pathogenic (1 of 4 stars; one submission).

Conditions:
Dilated cardiomyopathy 1G (CMD1G). Identifiers: Orphanet 154, MedGen C1858763, MONDO:0011400, OMIM 604145.
Autosomal recessive limb-girdle muscular dystrophy type 2J (LGMDR10). Also called: Limb-girdle muscular dystrophy, type 2J; MUSCULAR DYSTROPHY, LIMB-GIRDLE, AUTOSOMAL RECESSIVE 10. Identifiers: Orphanet 140922, MedGen C1837342, MONDO:0012127, OMIM 608807.

Submission:

Labcorp Genetics (formerly Invitae), Labcorp
Classification: Likely pathogenic for Dilated cardiomyopathy 1G; Autosomal recessive limb-girdle muscular dystrophy type 2J. Last evaluated: 2024-10-18. Review status: criteria provided, single submitter. Criteria: Invitae Variant Classification Sherloc (09022015). Collection method: clinical testing. Allele origin: germline.
Comment: This sequence change creates a premature translational stop signal (p.Gln1185*) in the TTN gene. While this is not anticipated to result in nonsense mediated decay, it is expected to create a truncated TTN protein. This variant is not present in population databases (gnomAD no frequency). This variant has not been reported in the literature in individuals affected with TTN-related conditions. ClinVar contains an entry for this variant (Variation ID: 2044567). This variant is located in the Z band of TTN (PMID: 25589632). Truncating variants in this region have been reported in individuals affected with autosomal recessive centronuclear myopathy (PMID: 33449170, internal data). Truncating variants in this region have also been identified in individuals affected with autosomal dominant dilated cardiomyopathy and/or cardio-related conditions (PMID: 27869827, 32964742, internal data). In summary, the currently available evidence indicates that the variant is pathogenic, but additional data are needed to prove that conclusively. Therefore, this variant has been classified as Likely Pathogenic.

Literature cited by the submitters: PubMed 25589632; PubMed 33449170; PubMed 27869827; PubMed 32964742.